The following is an entry in ClinVar:

NM_003000.3(SDHB):c.551A>G (p.Tyr184Cys)

Gene: SDHB (succinate dehydrogenase complex iron sulfur subunit B; minus strand). Cytogenetic location: 1p36.13.
Variant type: single nucleotide variant.
Coding change: c.551A>G on transcript NM_003000.3 (MANE Select); coding-DNA position 551, A replaced by G.
Protein change: p.Tyr184Cys; replaces tyrosine 184 with cysteine.
Molecular consequence: missense variant.
Genome position (GRCh38, 1-based): chr1:17,024,064, T>C on the plus strand (A>G on the coding strand, the complement: SDHB is on the minus strand). VCF-style: chr1-17024064-T-C. GRCh37 (hg19) VCF-style: chr1-17350559-T-C.
Other names: short protein forms Y184C.
Identifiers: ClinVar variation 1347016 (VCV001347016.8), dbSNP rs2101516629, ClinGen allele CA338271435.

ClinVar aggregate classification (germline): Uncertain significance (1 of 4 stars; one submission).

Conditions:
Gastrointestinal stromal tumor. Also called: Gastrointestinal stroma tumor; Gastrointestinal stromal tumor, somatic. Identifiers: Orphanet 44890, MedGen C0238198, MeSH D046152, MONDO:0011719, OMIM 606764, HP:0100723.
Pheochromocytoma/paraganglioma syndrome 4. Also called: SDHB-Related Hereditary Paraganglioma-Pheochromocytoma Syndrome (Paragangliomas 4); Paragangliomas 4; SDHB-Related Hereditary Paraganglioma-Pheochromocytoma Syndrome; CAROTID BODY TUMORS AND MULTIPLE EXTRAADRENAL PHEOCHROMOCYTOMAS; PARAGANGLIOMA, FAMILIAL MALIGNANT; PARAGANGLIOMAS, HEREDITARY EXTRAADRENAL. Identifiers: Orphanet 29072, MedGen C1861848, MONDO:0007273, OMIM 115310.
Pheochromocytoma. Also called: MAX-Related Hereditary Paraganglioma-Pheochromocytoma Syndrome. Identifiers: Orphanet 29072, MedGen C0031511, MONDO:0008233, OMIM 171300, HP:0002666.

Submission:

Labcorp Genetics (formerly Invitae), Labcorp
Classification: Uncertain significance for Gastrointestinal stromal tumor; Pheochromocytoma/paraganglioma syndrome 4; Pheochromocytoma. Last evaluated: 2021-04-21. Review status: criteria provided, single submitter. Criteria: Invitae Variant Classification Sherloc (09022015). Collection method: clinical testing. Allele origin: germline.
Comment: This sequence change replaces tyrosine with cysteine at codon 184 of the SDHB protein (p.Tyr184Cys). The tyrosine residue is highly conserved and there is a large physicochemical difference between tyrosine and cysteine. Advanced modeling of protein sequence and biophysical properties (such as structural, functional, and spatial information, amino acid conservation, physicochemical variation, residue mobility, and thermodynamic stability) performed at Invitae indicates that this missense variant is expected to disrupt SDHB protein function. In summary, the available evidence is currently insufficient to determine the role of this variant in disease. Therefore, it has been classified as a Variant of Uncertain Significance. This variant is not present in population databases (ExAC no frequency). This variant has not been reported in the literature in individuals with SDHB-related conditions.